The following is an entry in ClinVar:

NM_002693.3(POLG):c.3004G>A (p.Glu1002Lys)

Gene: POLG (DNA polymerase gamma, catalytic subunit; minus strand). Cytogenetic location: 15q26.1.
Variant type: single nucleotide variant.
Coding change: c.3004G>A on transcript NM_002693.3 (MANE Select); coding-DNA position 3004, G replaced by A.
Protein change: p.Glu1002Lys; replaces glutamic acid 1002 with lysine.
Molecular consequence: missense variant.
Genome position (GRCh38, 1-based): chr15:89,319,328, C>T on the plus strand (G>A on the coding strand, the complement: POLG is on the minus strand). VCF-style: chr15-89319328-C-T. GRCh37 (hg19) VCF-style: chr15-89862559-C-T.
Other names: c.3004G>A, p.Glu1002Lys (NM_001126131.2); short protein forms E1002K.
Identifiers: ClinVar variation 860426 (VCV000860426.10), dbSNP rs757987765, ClinGen allele CA7724277.

ClinVar aggregate classification (germline): Uncertain significance. Review status: criteria provided, multiple submitters, no conflicts (2 of 4 stars). 2 submissions from 2 submitters: Uncertain significance (2). Last evaluated 2024-07-10.

Conditions:
Progressive sclerosing poliodystrophy (MTDPS4A). Also called: ALPERS DIFFUSE DEGENERATION OF CEREBRAL GRAY MATTER WITH HEPATIC CIRRHOSIS; Alpers-Huttenlocher Syndrome; Mitochondrial DNA Depletion Syndrome 4A; NEURONAL DEGENERATION OF CHILDHOOD WITH LIVER DISEASE, PROGRESSIVE; Mitochondrial DNA depletion syndrome 4A (Alpers type); Alpers Syndrome. Identifiers: Orphanet 726, MedGen C0205710, MONDO:0008758, OMIM 203700.

Allele frequency attached by ClinVar (database versions not stated): gnomAD exomes 0.00001; ExAC 0.00002; gnomAD 0.00004; TOPMed 0.00004.
gnomAD v4.1: 18 of 1,614,006 alleles (0.0011%); highest among the groups gnomAD compares: African/African-American, 0.011%; no homozygotes.

Submissions (2):

Labcorp Genetics (formerly Invitae), Labcorp
Classification: Uncertain significance for Progressive sclerosing poliodystrophy. Last evaluated: 2024-07-10. Review status: criteria provided, single submitter. Criteria: Invitae Variant Classification Sherloc (09022015). Collection method: clinical testing. Allele origin: germline.
Comment: This sequence change replaces glutamic acid, which is acidic and polar, with lysine, which is basic and polar, at codon 1002 of the POLG protein (p.Glu1002Lys). This variant is present in population databases (rs757987765, gnomAD 0.01%). This variant has not been reported in the literature in individuals affected with POLG-related conditions. ClinVar contains an entry for this variant (Variation ID: 860426). Advanced modeling of protein sequence and biophysical properties (such as structural, functional, and spatial information, amino acid conservation, physicochemical variation, residue mobility, and thermodynamic stability) has been performed at Invitae for this missense variant, however the output from this modeling did not meet the statistical confidence thresholds required to predict the impact of this variant on POLG protein function. In summary, the available evidence is currently insufficient to determine the role of this variant in disease. Therefore, it has been classified as a Variant of Uncertain Significance.

Blueprint Genetics
Classification: Uncertain significance. Last evaluated: 2022-04-08. Review status: criteria provided, single submitter. Criteria: ACMG Guidelines, 2015. Collection method: clinical testing. Allele origin: germline.